The following is an entry in ClinVar:

NM_001134363.3(RBM20):c.1814C>T (p.Ala605Val)

Gene: RBM20 (RNA binding motif protein 20; plus strand). Cytogenetic location: 10q25.2.
Variant type: single nucleotide variant.
Coding change: c.1814C>T on transcript NM_001134363.3 (MANE Select); coding-DNA position 1814, C replaced by T.
Protein change: p.Ala605Val; replaces alanine 605 with valine.
Molecular consequence: missense variant.
Genome position (GRCh38, 1-based): chr10:110,810,396, C>T. VCF-style: chr10-110810396-C-T. GRCh37 (hg19) VCF-style: chr10-112570154-C-T.
Other names: short protein forms A605V.
Identifiers: ClinVar variation 520539 (VCV000520539.16), dbSNP rs754805893, ClinGen allele CA5688636.

ClinVar aggregate classification (germline): Conflicting classifications of pathogenicity. Review status: criteria provided, conflicting classifications (1 of 4 stars). 6 submissions from 6 submitters: Uncertain significance (3); Likely benign (3). Last evaluated 2025-12-29.

Conditions:
Cardiovascular phenotype. Identifiers: MedGen CN230736.
Arrhythmogenic right ventricular cardiomyopathy (ARVD). Also called: Arrhythmogenic cardiomyopathy; Arrhythmogenic Right Ventricular Cardiomyopathy (ARVC); Cardiomyopathy, ARVC; Arrhythmogenic right ventricular dysplasia. Identifiers: Orphanet 247, MedGen C0349788, MeSH D019571, MONDO:0016587. Disease mechanism: loss of function. Inheritance: Various modes of inheritance.
Dilated cardiomyopathy 1DD (CMD1DD). Identifiers: Orphanet 154, MedGen C2750995, MONDO:0013168, OMIM 613172.

Allele frequency attached by ClinVar (database versions not stated): gnomAD 0.00004 and 0.00005; ExAC 0.00005; gnomAD exomes 0.00005 and 0.00013; TOPMed 0.00005.
gnomAD v4.1: 187 of 1,551,274 alleles (0.012%); highest among the groups gnomAD compares: Non-Finnish European, 0.016%; 1 homozygote.

Submissions (6):

Labcorp Genetics (formerly Invitae), Labcorp
Classification: Likely benign for Dilated cardiomyopathy 1DD. Last evaluated: 2025-12-29. Review status: criteria provided, single submitter. Criteria: Invitae Variant Classification Sherloc (09022015). Collection method: clinical testing. Allele origin: germline.

Ambry Genetics
Classification: Likely benign for Cardiovascular phenotype. Last evaluated: 2025-07-07. Review status: criteria provided, single submitter. Criteria: Ambry Variant Classification Scheme 2023. Collection method: clinical testing. Allele origin: germline.

Blueprint Genetics
Classification: Likely benign. Last evaluated: 2024-09-19. Review status: criteria provided, single submitter. Criteria: ACMG Guidelines, 2015. Collection method: clinical testing. Allele origin: germline.

GeneDx
Classification: Uncertain significance. Last evaluated: 2023-11-27. Review status: criteria provided, single submitter. Criteria: GeneDx Variant Classification Process June 2021. Collection method: clinical testing. Allele origin: germline. Affected: yes.
Comment: Has not been previously published as pathogenic or benign to our knowledge; In silico analysis supports that this missense variant does not alter protein structure/function; This variant is associated with the following publications: (PMID: 27535533)

Fulgent Genetics
Classification: Uncertain significance for Dilated cardiomyopathy 1DD. Last evaluated: 2022-05-19. Review status: criteria provided, single submitter. Criteria: ACMG Guidelines, 2015. Collection method: clinical testing. Allele origin: unknown.

Molecular Diagnostic Laboratory for Inherited Cardiovascular Disease, Montreal Heart Institute
Classification: Uncertain significance for Familial isolated arrhythmogenic right ventricular dysplasia. Last evaluated: 2016-11-16. Review status: criteria provided, single submitter. Criteria: ACMG Guidelines, 2015. Collection method: clinical testing. Allele origin: germline. Affected: yes.